The following is an entry in ClinVar:

ClinVar aggregate classification (germline): Pathogenic (1 of 4 stars; one submission).

Conditions:
Marfan syndrome (MFS). Also called: MARFAN SYNDROME, TYPE I; Marfan syndrome type 1; Marfan's syndrome; Marfan syndrome, classic; FBN1-Related Marfan Syndrome. Identifiers: Orphanet 284963, Orphanet 558, MedGen C0024796, MONDO:0007947, OMIM 154700.
Familial thoracic aortic aneurysm and aortic dissection (TAAD). Also called: Thoracic aortic aneurysms and dissections. Identifiers: Orphanet 91387, MedGen C4707243, MONDO:0019625.

Submission:

Labcorp Genetics (formerly Invitae), Labcorp
Classification: Pathogenic for Marfan syndrome; Familial thoracic aortic aneurysm and aortic dissection. Last evaluated: 2023-05-26. Review status: criteria provided, single submitter. Criteria: Invitae Variant Classification Sherloc (09022015). Collection method: clinical testing. Allele origin: unknown.
Comment: This variant affects a cysteine residue in the EGF-like, TGFBP or hybrid motif domains of FBN1. Cysteine residues are believed to be involved in intramolecular disulfide bridges and have been shown to be important for FBN1 protein structure (PMID: 16905551, 19349279). In addition, missense substitutions affecting cysteine residues within these domains are significantly overrepresented among patients with Marfan syndrome (PMID: 16571647, 17701892). For these reasons, this variant has been classified as Pathogenic. This variant has not been reported in the literature in individuals affected with FBN1-related conditions. This variant is a gross deletion of the genomic region encompassing exon(s) 43-46 of the FBN1 gene. This variant would be expected to be in-frame, preserving the integrity of the reading frame.

Literature cited by the submitters: PubMed 16905551; PubMed 19349279; PubMed 16571647; PubMed 17701892.

NC_000015.9:g.(?_48740945)_(48752534_?)del

Gene: FBN1 (fibrillin 1; minus strand). Cytogenetic location: 15q21.1.
Variant type: Deletion.
Identifiers: ClinVar variation 3243726 (VCV003243726.1).